The following is an entry in ClinVar:

ClinVar aggregate classification (germline): Pathogenic. Review status: criteria provided, multiple submitters, no conflicts (2 of 4 stars). 2 submissions from 2 submitters: Pathogenic (2). Last evaluated 2025-06-18.

Conditions:
Cardiovascular phenotype. Identifiers: MedGen CN230736.

Submissions (2):

Ambry Genetics
Classification: Pathogenic for Cardiovascular phenotype. Last evaluated: 2025-06-18. Review status: criteria provided, single submitter. Criteria: Ambry Variant Classification Scheme 2023. Collection method: clinical testing. Allele origin: germline.
Comment: The c.5577_5584delCCACCCTA pathogenic mutation, located in coding exon 2 of the ZNF469 gene, results from a deletion of 8 nucleotides at nucleotide positions 5577 to 5584, causing a translational frameshift with a predicted alternate stop codon (p.H1860Qfs*24). This alteration occurs at the 3' terminus of theZNF469 gene, is not expected to trigger nonsense-mediated mRNA decay, and impacts the last 52% of the protein. However, premature stop codons are typically deleterious in nature and a significant portion of the protein is affected (Ambry internal data). This variant is considered to be rare based on population cohorts in the Genome Aggregation Database (gnomAD). Based on the supporting evidence, this variant is interpreted as a disease-causing mutation.

GeneDx
Classification: Pathogenic. Last evaluated: 2025-02-13. Review status: criteria provided, single submitter. Criteria: GeneDx Variant Classification Process June 2021. Collection method: clinical testing. Allele origin: germline. Affected: yes.
Comment: Frameshift variant predicted to result in protein truncation, as the last 2066 amino acids are replaced with 23 different amino acids, and other loss-of-function variants have been reported downstream in HGMD; Not observed at significant frequency in large population cohorts (gnomAD); Has not been previously published as pathogenic or benign to our knowledge

NM_001127464.1:c.5577_5584del

Gene: ZNF469 (zinc finger protein 469; plus strand).
Variant type: Deletion.
Other names: NM_001127464.1:c.5577_5584delCCACCCTA.
Identifiers: ClinVar variation 4075468 (VCV004075468.2).